The following is an entry in ClinVar:

NM_000391.4(TPP1):c.304T>C (p.Trp102Arg)

Gene: TPP1 (tripeptidyl peptidase 1; minus strand). Cytogenetic location: 11p15.4.
Variant type: single nucleotide variant.
Coding change: c.304T>C on transcript NM_000391.4 (MANE Select); coding-DNA position 304, T replaced by C.
Protein change: p.Trp102Arg; replaces tryptophan 102 with arginine.
Molecular consequence: missense variant.
Genome position (GRCh38, 1-based): chr11:6,617,702, A>G on the plus strand (T>C on the coding strand, the complement: TPP1 is on the minus strand). VCF-style: chr11-6617702-A-G. GRCh37 (hg19) VCF-style: chr11-6638933-A-G.
Other names: short protein forms W102R.
Identifiers: ClinVar variation 1508037 (VCV001508037.8), dbSNP rs2134596230, ClinGen allele CA379476411.

ClinVar aggregate classification (germline): Uncertain significance (1 of 4 stars; one submission).

Allele frequency attached by ClinVar (database versions not stated): gnomAD exomes below 0.00001.
gnomAD v4.1: 1 of 1,614,138 alleles (0.000062%); highest among the groups gnomAD compares: African/African-American, 0.0013%; no homozygotes.

Submission:

Labcorp Genetics (formerly Invitae), Labcorp
Classification: Uncertain significance. Last evaluated: 2023-10-03. Review status: criteria provided, single submitter. Criteria: Invitae Variant Classification Sherloc (09022015). Collection method: clinical testing. Allele origin: germline.
Comment: This sequence change replaces tryptophan, which is neutral and slightly polar, with arginine, which is basic and polar, at codon 102 of the TPP1 protein (p.Trp102Arg). This variant is not present in population databases (gnomAD no frequency). This variant has not been reported in the literature in individuals affected with TPP1-related conditions. ClinVar contains an entry for this variant (Variation ID: 1508037). Advanced modeling of protein sequence and biophysical properties (such as structural, functional, and spatial information, amino acid conservation, physicochemical variation, residue mobility, and thermodynamic stability) performed at Invitae indicates that this missense variant is expected to disrupt TPP1 protein function. In summary, the available evidence is currently insufficient to determine the role of this variant in disease. Therefore, it has been classified as a Variant of Uncertain Significance.